The following is an entry in ClinVar:

NM_020738.4(KIDINS220):c.1614A>G (p.Ile538Met)

Gene: KIDINS220 (kinase D interacting substrate 220; minus strand). Cytogenetic location: 2p25.1.
Variant type: single nucleotide variant.
Coding change: c.1614A>G on transcript NM_020738.4 (MANE Select); coding-DNA position 1614, A replaced by G.
Protein change: p.Ile538Met; replaces isoleucine 538 with methionine.
Molecular consequence: missense variant. On other transcripts: non-coding transcript variant (2).
Genome position (GRCh38, 1-based): chr2:8,789,887, T>C on the plus strand (A>G on the coding strand, the complement: KIDINS220 is on the minus strand). VCF-style: chr2-8789887-T-C. GRCh37 (hg19) VCF-style: chr2-8930017-T-C.
Other names: c.1617A>G, p.Ile539Met (NM_001348729.2, NM_001348731.2, NM_001348734.2 and 3 more transcripts); c.1614A>G, p.Ile538Met (NM_001348732.2, NM_001348735.2, NM_001348738.2 and 3 more transcripts); c.1488A>G, p.Ile496Met (NM_001348736.2); short protein forms I496M, I538M, I539M.
Identifiers: ClinVar variation 5020963 (VCV005020963.1).

ClinVar aggregate classification (germline): Uncertain significance (1 of 4 stars; one submission).

Submission:

Dasa
Classification: Uncertain significance. Last evaluated: 2025-04-29. Review status: criteria provided, single submitter. Criteria: DASA Assertion Criteria. Collection method: clinical testing. Allele origin: germline.
Comment: NM_020738.4(KIDINS220):c.1614A>G (p.Ile538Met) is a missense variant that results in the substitution of isoleucine with methionine. This variant is rare in population databases. Computational prediction algorithms are consistent with a benign effect. The currently available literature and clinical evidence are not sufficient to establish a definitive association between this variant and the reported condition. Therefore, this variant is classified as a variant of uncertain significance.